The following is an entry in ClinVar:

ClinVar aggregate classification (germline): Likely pathogenic (1 of 4 stars; one submission).

Conditions:
Polymicrogyria with or without vascular-type Ehlers-Danlos syndrome. Identifiers: Orphanet 636941, MedGen C5193040, MONDO:0032688, OMIM 618343.

Submission:

Women's Health and Genetics/Laboratory Corporation of America, LabCorp
Classification: Likely pathogenic for Polymicrogyria with or without vascular-type Ehlers-Danlos syndrome. Last evaluated: 2026-02-13. Review status: criteria provided, single submitter. Criteria: LabCorp Variant Classification Summary - May 2015. Collection method: clinical testing. Allele origin: germline.
Comment: Variant summary: COL3A1 c.2141G>T (p.Gly714Val) results in a non-conservative amino acid change in the encoded protein sequence. Algorithms developed to predict the effect of missense changes on protein structure and function all suggest that this variant is likely to be disruptive. This variant disrupts the triple helix domain of COL3A1. Glycine residues within the Gly-Xaa-Yaa repeats of the triple helix domain are required for the structure and stability of fibrillar collagens (PMID: 7695699, 8218237, 19344236). The variant was absent in 251062 control chromosomes (gnomAD). To our knowledge, no occurrence of c.2141G>T in individuals affected with COL3A1-related conditions and no experimental evidence demonstrating its impact on protein function have been reported. No submitters have cited clinical-significance assessments for this variant to ClinVar. Based on the evidence outlined above, the variant was classified as likely pathogenic.

NM_000090.4(COL3A1):c.2141G>T (p.Gly714Val)

Gene: COL3A1 (collagen type III alpha 1 chain; plus strand). Cytogenetic location: 2q32.2.
Variant type: single nucleotide variant.
Coding change: c.2141G>T on transcript NM_000090.4 (MANE Select); coding-DNA position 2141, G replaced by T.
Protein change: p.Gly714Val; replaces glycine 714 with valine.
Molecular consequence: missense variant.
Genome position (GRCh38, 1-based): chr2:188,999,489, G>T. VCF-style: chr2-188999489-G-T. GRCh37 (hg19) VCF-style: chr2-189864215-G-T.
Other names: short protein forms G714V.
Identifiers: ClinVar variation 4848221 (VCV004848221.1).
Genomic context (GRCh38, chr2:188,999,489, plus strand): 5'-GATTTCCTTCTGATCATTTATTATTTCTCACTTATTTTCAGGGTGCTGCTGGTCCTCCTG[G>T]GCCACCTGGTGCTGCTGGTACTCCTGGTCTGCAAGGAATGCCTGGAGAAAGAGGAGGTCT-3'
Protein context (NP_000081.2, residues 704-724): EGGKGAAGPP[Gly714Val]PPGAAGTPGL